The following is an entry in ClinVar:

NM_005546.4(ITK):c.1398G>T (p.Val466=)

Gene: ITK (IL2 inducible T cell kinase; plus strand). Cytogenetic location: 5q33.3.
Variant type: single nucleotide variant.
Coding change: c.1398G>T on transcript NM_005546.4 (MANE Select); coding-DNA position 1398, G replaced by T.
Protein change: p.Val466=; no amino-acid change (valine 466 retained).
Molecular consequence: synonymous variant.
Genome position (GRCh38, 1-based): chr5:157,244,427, G>T. VCF-style: chr5-157244427-G-T. GRCh37 (hg19) VCF-style: chr5-156671437-G-T.
Other names: p.Val466=.
Identifiers: ClinVar variation 540360 (VCV000540360.24), dbSNP rs17595896, ClinGen allele CA3533070.
Genomic context (GRCh38, chr5:157,244,427, plus strand): 5'-TCTACGCACCCAGCGGGGACTTTTTGCTGCAGAGACCCTGCTGGGCATGTGTCTGGATGT[G>T]TGTGAGGGCATGGCCTACCTGGAAGAGGCATGTGTCATCCACAGAGACTTGGTATGAGCA-3'
Protein context (NP_005537.3, residues 456-476): AETLLGMCLD[Val466=]CEGMAYLEEA

ClinVar aggregate classification (germline): Benign/Likely benign. Review status: criteria provided, multiple submitters, no conflicts (2 of 4 stars). 7 submissions from 7 submitters: Benign (6); Likely benign (1). Last evaluated 2026-03-31.

Conditions:
Lymphoproliferative syndrome 1 (LPFS1). Identifiers: Orphanet 238505, Orphanet 538963, MedGen C3552634, MONDO:0013081, OMIM 613011.
Autoinflammatory syndrome. Identifiers: Orphanet 93665, MedGen C3890737, MONDO:0019751.

Allele frequency attached by ClinVar (database versions not stated): ESP Exome Variant Server 0.00423; gnomAD 0.00505 and 0.00573; TOPMed 0.00521; 1000 Genomes Project 30x 0.00765; 1000 Genomes Project 0.00839; ExAC 0.00890.
gnomAD v4.1: 10,151 of 1,614,044 alleles (0.63%); highest among the groups gnomAD compares: Middle Eastern, 4.7%; 127 homozygotes.

Submissions (7):

Women's Health and Genetics/Laboratory Corporation of America, LabCorp
Classification: Benign. Last evaluated: 2026-03-31. Review status: criteria provided, single submitter. Criteria: LabCorp Variant Classification Summary - May 2015. Collection method: clinical testing. Allele origin: germline.

Labcorp Genetics (formerly Invitae), Labcorp
Classification: Benign for Lymphoproliferative syndrome 1. Last evaluated: 2026-02-04. Review status: criteria provided, single submitter. Criteria: Invitae Variant Classification Sherloc (09022015). Collection method: clinical testing. Allele origin: germline.

Blueprint Genetics
Classification: Likely benign. Last evaluated: 2024-11-26. Review status: criteria provided, single submitter. Criteria: ACMG Guidelines, 2015. Collection method: clinical testing. Allele origin: germline.

Mayo Clinic Laboratories, Mayo Clinic
Classification: Benign. Last evaluated: 2023-09-06. Review status: criteria provided, single submitter. Criteria: ACMG Guidelines, 2015. Collection method: clinical testing. Allele origin: germline. Observed: 15 variant alleles.
Comment: BS1, BS2, BP4, BP7

Genome Diagnostics Laboratory, The Hospital for Sick Children
Classification: Benign for Autoinflammatory syndrome. Last evaluated: 2021-10-18. Review status: criteria provided, single submitter. Criteria: ACMG Guidelines, 2015. Collection method: clinical testing. Allele origin: germline. Affected: yes.

Genetic Services Laboratory, University of Chicago
Classification: Benign. Last evaluated: 2018-11-13. Review status: criteria provided, single submitter. Criteria: ACMG Guidelines, 2015. Collection method: clinical testing. Allele origin: germline. Affected: no.

Illumina Laboratory Services, Illumina
Classification: Benign for Lymphoproliferative syndrome 1. Last evaluated: 2017-04-27. Review status: criteria provided, single submitter. Criteria: ICSL Variant Classification Criteria 13 December 2019. Collection method: clinical testing. Allele origin: germline.
Comment: This variant was observed as part of a predisposition screen in an ostensibly healthy population. A literature search was performed for the gene, cDNA change, and amino acid change (where applicable). Publications were found based on this search. The evidence from the literature, in combination with allele frequency data from public databases where available, was sufficient to rule this variant out of causing disease. Therefore, this variant is classified as benign.

Literature cited by the submitters: PubMed 22289921 (cited by Mayo Clinic Laboratories, Mayo Clinic and Illumina Laboratory Services, Illumina).